The following is an entry in ClinVar:

ClinVar aggregate classification (germline): Uncertain significance (1 of 4 stars; one submission).

Conditions:
Idiopathic generalized epilepsy. Also called: Generalised epilepsy; EIG. Identifiers: MedGen C0270850, MONDO:0005579, OMIM 600669.
Hyperaldosteronism, familial, type IV (HALD4). Also called: FH IV; ALDOSTERONISM, PRIMARY, AND HYPERTENSION. Identifiers: Orphanet 642671, MedGen C4310756, MONDO:0014875, OMIM 617027.

gnomAD v4.1: 2 of 1,574,336 alleles (0.00013%); highest among the groups gnomAD compares: Non-Finnish European, 0.00017%; no homozygotes.

Submission:

Labcorp Genetics (formerly Invitae), Labcorp
Classification: Uncertain significance for Idiopathic generalized epilepsy; Hyperaldosteronism, familial, type IV. Last evaluated: 2023-02-18. Review status: criteria provided, single submitter. Criteria: Invitae Variant Classification Sherloc (09022015). Collection method: clinical testing. Allele origin: germline.
Comment: In summary, the available evidence is currently insufficient to determine the role of this variant in disease. Therefore, it has been classified as a Variant of Uncertain Significance. Advanced modeling of protein sequence and biophysical properties (such as structural, functional, and spatial information, amino acid conservation, physicochemical variation, residue mobility, and thermodynamic stability) performed at Invitae indicates that this missense variant is not expected to disrupt CACNA1H protein function. This variant has not been reported in the literature in individuals affected with CACNA1H-related conditions. This variant is not present in population databases (gnomAD no frequency). This sequence change replaces aspartic acid, which is acidic and polar, with tyrosine, which is neutral and polar, at codon 1602 of the CACNA1H protein (p.Asp1602Tyr).

NM_021098.3(CACNA1H):c.4804G>T (p.Asp1602Tyr)

Gene: CACNA1H (calcium voltage-gated channel subunit alpha1 H; plus strand). Cytogenetic location: 16p13.3.
Variant type: single nucleotide variant.
Coding change: c.4804G>T on transcript NM_021098.3 (MANE Select); coding-DNA position 4804, G replaced by T.
Protein change: p.Asp1602Tyr; replaces aspartic acid 1602 with tyrosine.
Molecular consequence: missense variant.
Genome position (GRCh38, 1-based): chr16:1,213,806, G>T. VCF-style: chr16-1213806-G-T. GRCh37 (hg19) VCF-style: chr16-1263806-G-T.
Other names: c.4786G>T, p.Asp1596Tyr (NM_001005407.2); short protein forms D1602Y, D1596Y.
Identifiers: ClinVar variation 2944503 (VCV002944503.3), dbSNP rs201296407, ClinGen allele CA394145152.